The following is an entry in ClinVar:

NM_032242.4(PLXNA1):c.699G>A (p.Ser233=)

Gene: PLXNA1 (plexin A1; plus strand). Cytogenetic location: 3q21.3.
Variant type: single nucleotide variant.
Coding change: c.699G>A on transcript NM_032242.4 (MANE Select); coding-DNA position 699, G replaced by A.
Protein change: p.Ser233=; no amino-acid change (serine 233 retained).
Molecular consequence: synonymous variant.
Genome position (GRCh38, 1-based): chr3:126,989,292, G>A. VCF-style: chr3-126989292-G-A. GRCh37 (hg19) VCF-style: chr3-126708135-G-A.
Identifiers: ClinVar variation 3345158 (VCV003345158.1).

ClinVar aggregate classification (germline): Likely benign (0 of 4 stars; one submission).

Conditions:
PLXNA1-related disorder. Also called: PLXNA1-related condition.

gnomAD v4.1: 34 of 1,613,556 alleles (0.0021%); highest among the groups gnomAD compares: South Asian, 0.0055%; no homozygotes.

Submission:

PreventionGenetics, part of Exact Sciences
Classification: Likely benign for PLXNA1-related condition. Last evaluated: 2024-08-02. Review status: no assertion criteria provided. Collection method: clinical testing. Allele origin: germline.
Comment: This variant is classified as likely benign based on ACMG/AMP sequence variant interpretation guidelines (Richards et al. 2015 PMID: 25741868, with internal and published modifications).